The following is an entry in ClinVar:

NM_000135.4(FANCA):c.2504+1G>A

Gene: FANCA (FA complementation group A; minus strand). Cytogenetic location: 16q24.3.
Variant type: single nucleotide variant.
Coding change: c.2504+1G>A on transcript NM_000135.4 (MANE Select); the canonical splice donor site of the intron after coding-DNA position 2504, G replaced by A.
Molecular consequence: splice donor variant.
Genome position (GRCh38, 1-based): chr16:89,769,836, C>T on the plus strand (G>A on the coding strand, the complement: FANCA is on the minus strand). VCF-style: chr16-89769836-C-T. GRCh37 (hg19) VCF-style: chr16-89836244-C-T.
Other names: c.2504+1G>A (NM_001286167.3).
Identifiers: ClinVar variation 974037 (VCV000974037.1), dbSNP rs2039260545, ClinGen allele CA397442937.

ClinVar aggregate classification (germline): Uncertain significance (0 of 4 stars; one submission).

Conditions:
Fanconi anemia complementation group A (FANCA). Also called: Fanconi anemia, group A; FANCA-Related Fanconi Anemia. Identifiers: Orphanet 84, MedGen C3469521, MONDO:0009215, OMIM 227650.

Submission:

Leiden Open Variation Database
Classification: Uncertain significance for Fanconi anemia complementation group A. Last evaluated: 2020-02-28. Review status: no assertion criteria provided. Collection method: curation. Allele origin: germline. Affected: yes.
Comment: Curator: Arleen D. Auerbach. Submitter to LOVD: Arleen D. Auerbach.